The following is an entry in ClinVar:

ClinVar aggregate classification (germline): Likely benign (0 of 4 stars; one submission).

Conditions:
OPTN-related disorder. Also called: OPTN-related condition; OPTN-related disorders.

Allele frequency attached by ClinVar (database versions not stated): 1000 Genomes Project 30x 0.00062; 1000 Genomes Project 0.00080.
gnomAD v4.1: 46 of 1,613,902 alleles (0.0029%); highest among the groups gnomAD compares: South Asian, 0.014%; no homozygotes.

Submission:

PreventionGenetics, part of Exact Sciences
Classification: Likely benign for OPTN-related condition. Last evaluated: 2021-09-20. Review status: no assertion criteria provided. Collection method: clinical testing. Allele origin: germline.
Comment: This variant is classified as likely benign based on ACMG/AMP sequence variant interpretation guidelines (Richards et al. 2015 PMID: 25741868, with internal and published modifications).

NM_001008212.2(OPTN):c.402C>T (p.Ala134=)

Gene: OPTN (optineurin; plus strand). Cytogenetic location: 10p13.
Variant type: single nucleotide variant.
Coding change: c.402C>T on transcript NM_001008212.2 (MANE Select); coding-DNA position 402, C replaced by T.
Protein change: p.Ala134=; no amino-acid change (alanine 134 retained).
Molecular consequence: synonymous variant.
Genome position (GRCh38, 1-based): chr10:13,112,485, C>T. VCF-style: chr10-13112485-C-T. GRCh37 (hg19) VCF-style: chr10-13154485-C-T.
Other names: c.402C>T, p.Ala134= (NM_001008211.1, NM_001008213.1, NM_021980.4).
Identifiers: ClinVar variation 3029849 (VCV003029849.2), dbSNP rs113955718, ClinGen allele CA5410614.